The following is an entry in ClinVar:

ClinVar aggregate classification (germline): Likely pathogenic (1 of 4 stars; one submission).

Submission:

Labcorp Genetics (formerly Invitae), Labcorp
Classification: Likely pathogenic. Last evaluated: 2023-09-23. Review status: criteria provided, single submitter. Criteria: Invitae Variant Classification Sherloc (09022015). Collection method: clinical testing. Allele origin: germline.
Comment: In summary, the currently available evidence indicates that the variant is pathogenic, but additional data are needed to prove that conclusively. Therefore, this variant has been classified as Likely Pathogenic. Algorithms developed to predict the effect of sequence changes on RNA splicing suggest that this variant may disrupt the consensus splice site. This variant has not been reported in the literature in individuals affected with BMP1-related conditions. This variant is not present in population databases (gnomAD no frequency). This sequence change affects an acceptor splice site in intron 9 of the BMP1 gene. It is expected to disrupt RNA splicing. Variants that disrupt the donor or acceptor splice site typically lead to a loss of protein function (PMID: 16199547), and loss-of-function variants in BMP1 are known to be pathogenic (PMID: 25656619, 27576954, 28257626).

Literature cited by the submitters: PubMed 16199547; PubMed 25656619; PubMed 27576954; PubMed 28257626.

NM_006129.5(BMP1):c.1181-2A>G

Gene: BMP1 (bone morphogenetic protein 1; plus strand). Cytogenetic location: 8p21.3.
Variant type: single nucleotide variant.
Coding change: c.1181-2A>G on transcript NM_006129.5 (MANE Select); the canonical splice acceptor site of the intron before coding-DNA position 1181, A replaced by G.
Molecular consequence: splice acceptor variant.
Genome position (GRCh38, 1-based): chr8:22,194,056, A>G. VCF-style: chr8-22194056-A-G. GRCh37 (hg19) VCF-style: chr8-22051569-A-G.
Other names: c.1181-2A>G (NM_001199.4).
Identifiers: ClinVar variation 2762948 (VCV002762948.3), dbSNP rs2539009952, ClinGen allele CA370492579.